The following is an entry in ClinVar:

ClinVar aggregate classification (germline): Benign/Likely benign. Review status: criteria provided, multiple submitters, no conflicts (2 of 4 stars). 5 submissions from 5 submitters: Benign (1); Likely benign (4). Last evaluated 2025-11-23.

Conditions:
Juvenile polyposis syndrome (JPS). Identifiers: Orphanet 2929, MedGen C0345893, MONDO:0017380, OMIM 174900.
Hereditary cancer-predisposing syndrome. Also called: Neoplastic Syndromes, Hereditary; Hereditary Cancer Syndrome; Hereditary neoplastic syndrome; Tumor predisposition. Identifiers: Orphanet 140162, MedGen C0027672, MeSH D009386, MONDO:0015356.
Familial thoracic aortic aneurysm and aortic dissection (TAAD). Also called: Thoracic aortic aneurysms and dissections. Identifiers: Orphanet 91387, MedGen C4707243, MONDO:0019625.
Juvenile polyposis/hereditary hemorrhagic telangiectasia syndrome (JPHT). Also called: POLYPOSIS, GENERALIZED JUVENILE, WITH PULMONARY ARTERIOVENOUS MALFORMATION; TELANGIECTASIA, HEREDITARY HEMORRHAGIC, WITH JUVENILE POLYPOSIS COLI; Juvenile Polyposis Syndrome / Hereditary Hemorrhagic Telangiectasia (JPS/HHT); JP/HHT SYNDROME; JUVENILE POLYPOSIS WITH HEREDITARY HEMORRHAGIC TELANGIECTASIA. Identifiers: Orphanet 2929, MedGen C1832942, MONDO:0008278, OMIM 175050.

Allele frequency attached by ClinVar (database versions not stated): gnomAD exomes below 0.00001; gnomAD 0.00002; TOPMed 0.00002.
gnomAD v4.1: 8 of 1,613,494 alleles (0.0005%); highest among the groups gnomAD compares: African/African-American, 0.0067%; no homozygotes.

Submissions (5):

Labcorp Genetics (formerly Invitae), Labcorp
Classification: Likely benign for Juvenile polyposis syndrome. Last evaluated: 2025-11-23. Review status: criteria provided, single submitter. Criteria: Invitae Variant Classification Sherloc (09022015). Collection method: clinical testing. Allele origin: germline.

Myriad Genetics, Inc.
Classification: Benign for Juvenile polyposis/hereditary hemorrhagic telangiectasia syndrome. Last evaluated: 2025-03-20. Review status: criteria provided, single submitter. Criteria: Myriad Autosomal Dominant, Autosomal Recessive and X-Linked Classification Criteria (2023). Collection method: clinical testing. Allele origin: unknown.
Comment: This variant is considered benign. This variant is a silent/synonymous amino acid change and it is not expected to impact splicing.

Quest Diagnostics Nichols Institute San Juan Capistrano
Classification: Likely benign. Last evaluated: 2022-12-05. Review status: criteria provided, single submitter. Criteria: Quest Diagnostics criteria. Collection method: clinical testing. Allele origin: unknown.

Color Diagnostics, LLC DBA Color Health
Classification: Likely benign for Hereditary cancer-predisposing syndrome. Last evaluated: 2022-11-06. Review status: criteria provided, single submitter. Criteria: ACMG Guidelines, 2015. Collection method: clinical testing. Allele origin: germline.

Ambry Genetics
Classification: Likely benign for Hereditary cancer-predisposing syndrome; Familial thoracic aortic aneurysm and aortic dissection. Last evaluated: 2020-04-03. Review status: criteria provided, single submitter. Criteria: Ambry Variant Classification Scheme 2023. Collection method: clinical testing. Allele origin: germline.

NM_005359.6(SMAD4):c.966T>C (p.Tyr322=)

Gene: SMAD4 (SMAD family member 4; plus strand). Cytogenetic location: 18q21.2.
Variant type: single nucleotide variant.
Coding change: c.966T>C on transcript NM_005359.6 (MANE Select); coding-DNA position 966, T replaced by C.
Protein change: p.Tyr322=; no amino-acid change (tyrosine 322 retained).
Molecular consequence: synonymous variant.
Genome position (GRCh38, 1-based): chr18:51,065,433, T>C. VCF-style: chr18-51065433-T-C. GRCh37 (hg19) VCF-style: chr18-48591803-T-C.
Identifiers: ClinVar variation 460575 (VCV000460575.18), dbSNP rs1465916558, ClinGen allele CA503874086.